The following is an entry in ClinVar:

NM_014946.4(SPAST):c.1637G>A (p.Gly546Glu)

Gene: SPAST (spastin; plus strand). Cytogenetic location: 2p22.3.
Variant type: single nucleotide variant.
Coding change: c.1637G>A on transcript NM_014946.4 (MANE Select); coding-DNA position 1637, G replaced by A.
Protein change: p.Gly546Glu; replaces glycine 546 with glutamic acid.
Molecular consequence: missense variant. On other transcripts: intron variant (1).
Genome position (GRCh38, 1-based): chr2:32,144,957, G>A. VCF-style: chr2-32144957-G-A. GRCh37 (hg19) VCF-style: chr2-32370026-G-A.
Other names: c.1634G>A, p.Gly545Glu (NM_001363823.2); c.1538G>A, p.Gly513Glu (NM_001363875.2); c.1541G>A, p.Gly514Glu (NM_199436.2); c.1520+1542G>A (NM_001377959.1); short protein forms G546E, G545E, G513E, G514E.
Identifiers: ClinVar variation 188083 (VCV000188083.9), dbSNP rs786204057, ClinGen allele CA333996.

ClinVar aggregate classification (germline): Pathogenic (1 of 4 stars; one submission).

Conditions:
Hereditary spastic paraplegia 4. Also called: Familial spastic paraplegia autosomal dominant 2; Spastic paraplegia 4, autosomal dominant; Spastic Paraplegia 4. Identifiers: Orphanet 100985, MedGen C1866855, MONDO:0008438, OMIM 182601.

Submission:

Labcorp Genetics (formerly Invitae), Labcorp
Classification: Pathogenic for Hereditary spastic paraplegia 4. Last evaluated: 2018-07-03. Review status: criteria provided, single submitter. Criteria: Invitae Variant Classification Sherloc (09022015). Collection method: clinical testing. Allele origin: germline.
Comment: This missense change is located within a functionally conserved AAA domain of the SPAST protein (PMID: 9695811, 18410514) and a high percentage (~85%) of previously reported SPAST missense mutations have been found within this domain (PMID: 18701882). These observations suggest that a novel missense substitution within this domain may affect protein function, but experiments have not been done to test this possibility. For these reasons, this variant has been classified as Pathogenic. The observation of one or more missense substitutions at this codon (p.Gly546Glu and p.Gly546Arg) in affected individuals suggests that this may be a clinically significant residue (PMID: 27260292, Invitae). This variant is not present in population databases (ExAC no frequency). This sequence change replaces glycine with glutamic acid at codon 546 of the SPAST protein (p.Gly546Glu). The glycine residue is highly conserved and there is a moderate physicochemical difference between glycine and glutamic acid.

Literature cited by the submitters: PubMed 9695811; PubMed 18410514; PubMed 18701882; PubMed 27260292.